The following is an entry in ClinVar:

NM_002485.5(NBN):c.762A>C (p.Glu254Asp)

Gene: NBN (nibrin; minus strand). Cytogenetic location: 8q21.3.
Variant type: single nucleotide variant.
Coding change: c.762A>C on transcript NM_002485.5 (MANE Select); coding-DNA position 762, A replaced by C.
Protein change: p.Glu254Asp; replaces glutamic acid 254 with aspartic acid.
Molecular consequence: missense variant.
Genome position (GRCh38, 1-based): chr8:89,970,498, T>G on the plus strand (A>C on the coding strand, the complement: NBN is on the minus strand). VCF-style: chr8-89970498-T-G. GRCh37 (hg19) VCF-style: chr8-90982726-T-G.
Other names: c.516A>C, p.Glu172Asp (NM_001024688.3, NM_001440379.1, NM_001440380.1); short protein forms E172D, E254D.
Identifiers: ClinVar variation 5025405 (VCV005025405.1).

ClinVar aggregate classification (germline): Uncertain significance (1 of 4 stars; one submission).

Conditions:
Hereditary cancer-predisposing syndrome. Also called: Neoplastic Syndromes, Hereditary; Tumor predisposition; Hereditary neoplastic syndrome; Hereditary Cancer Syndrome. Identifiers: Orphanet 140162, MedGen C0027672, MeSH D009386, MONDO:0015356.

Submission:

Ambry Genetics
Classification: Uncertain significance for Hereditary cancer-predisposing syndrome. Last evaluated: 2026-07-06. Review status: criteria provided, single submitter. Criteria: Ambry Variant Classification Scheme 2023. Collection method: clinical testing. Allele origin: germline.
Comment: The p.E254D variant (also known as c.762A>C), located in coding exon 7 of the NBN gene, results from an A to C substitution at nucleotide position 762. The glutamic acid at codon 254 is replaced by aspartic acid, an amino acid with highly similar properties. This amino acid position is conserved. In addition, this alteration is predicted to be tolerated by in silico analysis. Based on the available evidence, the clinical significance of this variant remains unclear.